The following is an entry in ClinVar:

NM_004186.5(SEMA3F):c.704G>A (p.Arg235His)

Gene: SEMA3F (semaphorin 3F; plus strand). Cytogenetic location: 3p21.31.
Variant type: single nucleotide variant.
Coding change: c.704G>A on transcript NM_004186.5 (MANE Select); coding-DNA position 704, G replaced by A.
Protein change: p.Arg235His; replaces arginine 235 with histidine.
Molecular consequence: missense variant.
Genome position (GRCh38, 1-based): chr3:50,182,344, G>A. VCF-style: chr3-50182344-G-A. GRCh37 (hg19) VCF-style: chr3-50219777-G-A.
Other names: c.407G>A, p.Arg136His (NM_001318798.2); c.611G>A, p.Arg204His (NM_001318800.2); short protein forms R204H, R235H, R136H.
Identifiers: ClinVar variation 4983074 (VCV004983074.1).

ClinVar aggregate classification (germline): Uncertain significance (1 of 4 stars; one submission).

Conditions:
SEMA3F-related disorder. Also called: SEMA3F-related condition.

gnomAD v4.1: 7 of 1,614,002 alleles (0.00043%); highest among the groups gnomAD compares: Non-Finnish European, 0.00059%; no homozygotes.

Submission:

PreventionGenetics, part of Exact Sciences
Classification: Uncertain significance for SEMA3F-related condition. Last evaluated: 2025-07-30. Review status: criteria provided, single submitter. Criteria: ACMG Guidelines, 2015. Collection method: clinical testing. Allele origin: germline.
Comment: The SEMA3F c.704G>A variant is predicted to result in the amino acid substitution p.Arg235His. To our knowledge, this variant has not been reported in the literature or in a large population database (gnomAD), indicating this variant is rare. At this time, the clinical significance of this variant is uncertain due to the absence of conclusive functional and genetic evidence.